The following is an entry in ClinVar:

ClinVar aggregate classification (germline): Uncertain significance (1 of 4 stars; one submission).

Submission:

Labcorp Genetics (formerly Invitae), Labcorp
Classification: Uncertain significance. Last evaluated: 2025-06-12. Review status: criteria provided, single submitter. Criteria: Invitae Variant Classification Sherloc (09022015). Collection method: clinical testing. Allele origin: germline.
Comment: This sequence change replaces aspartic acid, which is acidic and polar, with asparagine, which is neutral and polar, at codon 2965 of the TRRAP protein (p.Asp2965Asn). This variant is not present in population databases (gnomAD no frequency). This variant has not been reported in the literature in individuals affected with TRRAP-related conditions. ClinVar contains an entry for this variant (Variation ID: 3650245). Invitae Evidence Modeling of protein sequence and biophysical properties (such as structural, functional, and spatial information, amino acid conservation, physicochemical variation, residue mobility, and thermodynamic stability) indicates that this missense variant is expected to disrupt TRRAP protein function with a positive predictive value of 80%. In summary, the available evidence is currently insufficient to determine the role of this variant in disease. Therefore, it has been classified as a Variant of Uncertain Significance.

NM_001375524.1(TRRAP):c.8968G>A (p.Asp2990Asn)

Gene: TRRAP (transformation/transcription domain associated protein; plus strand). Cytogenetic location: 7q22.1.
Variant type: single nucleotide variant.
Coding change: c.8968G>A on transcript NM_001375524.1 (MANE Select); coding-DNA position 8968, G replaced by A.
Protein change: p.Asp2990Asn; replaces aspartic acid 2990 with asparagine.
Molecular consequence: missense variant.
Genome position (GRCh38, 1-based): chr7:98,983,405, G>A. VCF-style: chr7-98983405-G-A. GRCh37 (hg19) VCF-style: chr7-98581028-G-A.
Other names: c.8947G>A, p.Asp2983Asn (NM_001244580.2); c.8893G>A, p.Asp2965Asn (NM_003496.4); short protein forms D2983N, D2965N, D2990N.
Identifiers: ClinVar variation 3650245 (VCV003650245.2).
Genomic context (GRCh38, chr7:98,983,405, plus strand): 5'-AGCCTGCACGACATGAAGACGGTGGTGAAGACCTGGAGGAACCGACTGCCCATCGTGTCT[G>A]ACGACTTGTCCCACTGGAGCAGCATCTTCATGTGGAGGCAGCATCATTACCAGGGTAAAC-3'
Protein context (NP_001362453.1, residues 2980-3000): TWRNRLPIVS[Asp2990Asn]DLSHWSSIFM